The following is an entry in ClinVar:

NM_001166114.2(PNPLA6):c.3501G>A (p.Trp1167Ter)

Gene: PNPLA6 (patatin like domain 6, lysophospholipase; plus strand). Cytogenetic location: 19p13.2.
Variant type: single nucleotide variant.
Coding change: c.3501G>A on transcript NM_001166114.2 (MANE Select); coding-DNA position 3501, G replaced by A.
Protein change: p.Trp1167Ter; replaces tryptophan 1167 with a stop codon.
Molecular consequence: nonsense.
Genome position (GRCh38, 1-based): chr19:7,558,953, G>A. VCF-style: chr19-7558953-G-A. GRCh37 (hg19) VCF-style: chr19-7623839-G-A.
Other names: c.3531G>A, p.Trp1177Ter (NM_001166111.2); c.3306G>A, p.Trp1102Ter (NM_001166112.2); c.3387G>A, p.Trp1129Ter (NM_001166113.1, NM_006702.5); short protein forms W1129*, W1167*, W1177*, W1102*.
Identifiers: ClinVar variation 3730201 (VCV003730201.2).

ClinVar aggregate classification (germline): Pathogenic (1 of 4 stars; one submission).

Conditions:
Hereditary spastic paraplegia 39 (SPG39). Also called: SPASTIC PARAPLEGIA 39, AUTOSOMAL RECESSIVE; Spastic Paraplegia Type 39 (SPG39). Identifiers: Orphanet 139480, MedGen C2677586, MONDO:0012787, OMIM 612020.

Submission:

Labcorp Genetics (formerly Invitae), Labcorp
Classification: Pathogenic for Hereditary spastic paraplegia 39. Last evaluated: 2024-02-23. Review status: criteria provided, single submitter. Criteria: Invitae Variant Classification Sherloc (09022015). Collection method: clinical testing. Allele origin: germline.
Comment: This sequence change creates a premature translational stop signal (p.Trp1129*) in the PNPLA6 gene. It is expected to result in an absent or disrupted protein product. Loss-of-function variants in PNPLA6 are known to be pathogenic (PMID: 24355708). This variant is not present in population databases (gnomAD no frequency). This premature translational stop signal has been observed in individual(s) with clinical features of PNPLA6-related conditions (PMID: 29248984). For these reasons, this variant has been classified as Pathogenic.

Literature cited by the submitters: PubMed 24355708; PubMed 29248984.